The following is an entry in ClinVar:

NM_177438.3(DICER1):c.1769G>T (p.Cys590Phe)

Gene: DICER1 (dicer 1, ribonuclease III; minus strand). Cytogenetic location: 14q32.13.
Variant type: single nucleotide variant.
Coding change: c.1769G>T on transcript NM_177438.3 (MANE Select); coding-DNA position 1769, G replaced by T.
Protein change: p.Cys590Phe; replaces cysteine 590 with phenylalanine.
Molecular consequence: missense variant.
Genome position (GRCh38, 1-based): chr14:95,115,805, C>A on the plus strand (G>T on the coding strand, the complement: DICER1 is on the minus strand). VCF-style: chr14-95115805-C-A. GRCh37 (hg19) VCF-style: chr14-95582142-C-A.
Other names: c.1769G>T, p.Cys590Phe (NM_001195573.1, NM_001271282.3, NM_001291628.2 and 1 more transcripts); short protein forms C590F.
Identifiers: ClinVar variation 483419 (VCV000483419.16), dbSNP rs1555372646, ClinGen allele CA390884168.

ClinVar aggregate classification (germline): Uncertain significance. Review status: criteria provided, multiple submitters, no conflicts (2 of 4 stars). 3 submissions from 3 submitters: Uncertain significance (3). Last evaluated 2025-10-01.

Conditions:
DICER1-related tumor predisposition. Also called: DICER1-related pleuropulmonary blastoma cancer predisposition syndrome; DICER1 syndrome. Identifiers: Orphanet 284343, MedGen C3839822, MONDO:0100216.
Hereditary cancer-predisposing syndrome. Also called: Hereditary neoplastic syndrome; Neoplastic Syndromes, Hereditary; Tumor predisposition; Hereditary Cancer Syndrome. Identifiers: Orphanet 140162, MedGen C0027672, MeSH D009386, MONDO:0015356.

Allele frequency attached by ClinVar (database versions not stated): TOPMed below 0.00001.

Submissions (3):

Ambry Genetics
Classification: Uncertain significance for Hereditary cancer-predisposing syndrome. Last evaluated: 2025-10-01. Review status: criteria provided, single submitter. Criteria: Ambry Variant Classification Scheme 2023. Collection method: clinical testing. Allele origin: germline.
Comment: The p.C590F variant (also known as c.1769G>T), located in coding exon 10 of the DICER1 gene, results from a G to T substitution at nucleotide position 1769. The cysteine at codon 590 is replaced by phenylalanine, an amino acid with highly dissimilar properties. This amino acid position is highly conserved in available vertebrate species. In addition, this alteration is predicted to be deleterious by in silico analysis. Since supporting evidence is limited at this time, the clinical significance of this alteration remains unclear.

Labcorp Genetics (formerly Invitae), Labcorp
Classification: Uncertain significance for DICER1-related tumor predisposition. Last evaluated: 2025-04-01. Review status: criteria provided, single submitter. Criteria: Invitae Variant Classification Sherloc (09022015). Collection method: clinical testing. Allele origin: germline.
Comment: This sequence change replaces cysteine, which is neutral and slightly polar, with phenylalanine, which is neutral and non-polar, at codon 590 of the DICER1 protein (p.Cys590Phe). This variant is not present in population databases (gnomAD no frequency). This variant has not been reported in the literature in individuals affected with DICER1-related conditions. ClinVar contains an entry for this variant (Variation ID: 483419). Invitae Evidence Modeling of protein sequence and biophysical properties (such as structural, functional, and spatial information, amino acid conservation, physicochemical variation, residue mobility, and thermodynamic stability) indicates that this missense variant is expected to disrupt DICER1 protein function with a positive predictive value of 95%. In summary, the available evidence is currently insufficient to determine the role of this variant in disease. Therefore, it has been classified as a Variant of Uncertain Significance.

GeneDx
Classification: Uncertain significance. Last evaluated: 2025-02-12. Review status: criteria provided, single submitter. Criteria: GeneDx Variant Classification Process June 2021. Collection method: clinical testing. Allele origin: germline. Affected: yes.
Comment: Not observed at significant frequency in large population cohorts (gnomAD); In silico analysis supports that this missense variant has a deleterious effect on protein structure/function; Has not been previously published as pathogenic or benign to our knowledge